The following is an entry in ClinVar:

NM_004186.5(SEMA3F):c.2105T>C (p.Val702Ala)

Gene: SEMA3F (semaphorin 3F; plus strand). Cytogenetic location: 3p21.31.
Variant type: single nucleotide variant.
Coding change: c.2105T>C on transcript NM_004186.5 (MANE Select); coding-DNA position 2105, T replaced by C.
Protein change: p.Val702Ala; replaces valine 702 with alanine.
Molecular consequence: missense variant.
Genome position (GRCh38, 1-based): chr3:50,187,862, T>C. VCF-style: chr3-50187862-T-C. GRCh37 (hg19) VCF-style: chr3-50225295-T-C.
Other names: c.1808T>C, p.Val603Ala (NM_001318798.2); c.2012T>C, p.Val671Ala (NM_001318800.2); short protein forms V702A, V603A, V671A.
Identifiers: ClinVar variation 4999063 (VCV004999063.1).

ClinVar aggregate classification (germline): Uncertain significance (1 of 4 stars; one submission).

Conditions:
SEMA3F-related disorder. Also called: SEMA3F-related condition.

gnomAD v4.1: 1 of 1,613,006 alleles (0.000062%); highest among the groups gnomAD compares: African/African-American, 0.0013%; no homozygotes.

Submission:

PreventionGenetics, part of Exact Sciences
Classification: Uncertain significance for SEMA3F-related condition. Last evaluated: 2025-03-09. Review status: criteria provided, single submitter. Criteria: ACMG Guidelines, 2015. Collection method: clinical testing. Allele origin: germline.
Comment: The SEMA3F c.2105T>C variant is predicted to result in the amino acid substitution p.Val702Ala. To our knowledge, this variant has not been reported in the literature or in a large population database (gnomAD), indicating this variant is rare. At this time, the clinical significance of this variant is uncertain due to the absence of conclusive functional and genetic evidence.